The following is an entry in ClinVar:

NM_002474.3(MYH11):c.1908G>C (p.Glu636Asp)

Gene: MYH11 (myosin heavy chain 11; minus strand). Cytogenetic location: 16p13.11.
Variant type: single nucleotide variant.
Coding change: c.1908G>C on transcript NM_002474.3 (MANE Select); coding-DNA position 1908, G replaced by C.
Protein change: p.Glu636Asp; replaces glutamic acid 636 with aspartic acid.
Molecular consequence: missense variant.
Genome position (GRCh38, 1-based): chr16:15,750,288, C>G on the plus strand (G>C on the coding strand, the complement: MYH11 is on the minus strand). VCF-style: chr16-15750288-C-G. GRCh37 (hg19) VCF-style: chr16-15844145-C-G.
Other names: c.1929G>C, p.Glu643Asp (NM_001040113.2, NM_001040114.2); c.1908G>C, p.Glu636Asp (NM_022844.3); c.1908G>C (NM_002474.2); short protein forms E636D, E643D.
Identifiers: ClinVar variation 919619 (VCV000919619.6), dbSNP rs1312174913, ClinGen allele CA394869147.

ClinVar aggregate classification (germline): Uncertain significance. Review status: criteria provided, multiple submitters, no conflicts (2 of 4 stars). 2 submissions from 2 submitters: Uncertain significance (2). Last evaluated 2024-06-03.

Conditions:
Familial thoracic aortic aneurysm and aortic dissection (TAAD). Also called: Thoracic aortic aneurysms and dissections. Identifiers: Orphanet 91387, MedGen C4707243, MONDO:0019625.

gnomAD v4.1: 3 of 1,613,546 alleles (0.00019%); highest among the groups gnomAD compares: South Asian, 0.0011%; no homozygotes.

Submissions (2):

GeneDx
Classification: Uncertain significance. Last evaluated: 2024-06-03. Review status: criteria provided, single submitter. Criteria: GeneDx Variant Classification Process June 2021. Collection method: clinical testing. Allele origin: germline. Affected: yes.
Comment: Not observed at significant frequency in large population cohorts (gnomAD); In silico analysis indicates that this missense variant does not alter protein structure/function; Has not been previously published as pathogenic or benign to our knowledge

Color Diagnostics, LLC DBA Color Health
Classification: Uncertain significance for Familial thoracic aortic aneurysm and aortic dissection. Last evaluated: 2024-03-06. Review status: criteria provided, single submitter. Criteria: ACMG Guidelines, 2015. Collection method: clinical testing. Allele origin: germline.
Comment: This missense variant replaces glutamic acid with aspartic acid at codon 643 of the MYH11 protein. Computational prediction suggests that this variant may not impact protein structure and function (internally defined REVEL score threshold <= 0.5, PMID: 27666373). To our knowledge, functional studies have not been reported for this variant. This variant has not been reported in individuals affected with cardiovascular disorders in the literature. This variant has not been identified in the general population by the Genome Aggregation Database (gnomAD). The available evidence is insufficient to determine the role of this variant in disease conclusively. Therefore, this variant is classified as a Variant of Uncertain Significance.